The following is an entry in ClinVar:

ClinVar aggregate classification (germline): Pathogenic/Likely pathogenic. Review status: criteria provided, multiple submitters, no conflicts (2 of 4 stars). 3 submissions from 3 submitters: Pathogenic (2); Likely pathogenic (1). Last evaluated 2024-12-21.

Conditions:
Jeune thoracic dystrophy. Also called: Short-rib thoracic dysplasia; Jeune syndrome; Infantile thoracic dystrophy; Thoracic pelvic phalangeal dystrophy; Jeune's syndrome; Chondroectodermal dysplasia-like syndrome. Identifiers: Orphanet 474, MedGen C0265275, MONDO:0018770.
Asphyxiating thoracic dystrophy 3. Also called: POLYDACTYLY WITH NEONATAL CHONDRODYSTROPHY, TYPE I; SHORT-RIB THORACIC DYSPLASIA 3/6 WITH POLYDACTYLY, DIGENIC; Short rib polydactyly syndrome 2B; SHORT-RIB THORACIC DYSPLASIA 3 WITH OR WITHOUT POLYDACTYLY; Saldino-Noonan Syndrome. Identifiers: Orphanet 474, Orphanet 93269, Orphanet 93270, Orphanet 93271, MedGen C0036069, MONDO:0013127, OMIM 613091.

Allele frequency attached by ClinVar (database versions not stated): gnomAD exomes below 0.00001; TOPMed below 0.00001.
gnomAD v4.1: 1 of 1,604,306 alleles (0.000062%); highest among the groups gnomAD compares: Admixed American, 0.0017%; no homozygotes.

Submissions (3):

Myriad Genetics, Inc.
Classification: Pathogenic for Asphyxiating thoracic dystrophy 3. Last evaluated: 2024-12-21. Review status: criteria provided, single submitter. Criteria: Myriad Autosomal Dominant, Autosomal Recessive and X-Linked Classification Criteria (2023). Collection method: clinical testing. Allele origin: unknown.
Comment: NM_001377.2(DYNC2H1):c.10342C>T(Q3448*) is expected to be pathogenic in the context of DYNC2H1-related disorders. This variant is predicted to lead to an abnormal or absent protein product due to the creation of a premature termination codon in DYNC2H1, a gene where loss-of-function variants are known to be pathogenic. Please note: this variant was assessed in the context of healthy population screening.

Fulgent Genetics
Classification: Likely pathogenic for Asphyxiating thoracic dystrophy 3. Last evaluated: 2024-03-07. Review status: criteria provided, single submitter. Criteria: ACMG Guidelines, 2015. Collection method: clinical testing. Allele origin: germline.

Labcorp Genetics (formerly Invitae), Labcorp
Classification: Pathogenic for Jeune thoracic dystrophy. Last evaluated: 2023-10-27. Review status: criteria provided, single submitter. Criteria: Invitae Variant Classification Sherloc (09022015). Collection method: clinical testing. Allele origin: germline.
Comment: This sequence change creates a premature translational stop signal (p.Gln3455*) in the DYNC2H1 gene. It is expected to result in an absent or disrupted protein product. Loss-of-function variants in DYNC2H1 are known to be pathogenic (PMID: 23339108, 32753734, 33755199). This variant is not present in population databases (gnomAD no frequency). This variant has not been reported in the literature in individuals affected with DYNC2H1-related conditions. Algorithms developed to predict the effect of sequence changes on RNA splicing suggest that this variant may disrupt the consensus splice site. For these reasons, this variant has been classified as Pathogenic.

Literature cited by the submitters: PubMed 23339108 (cited by Labcorp Genetics (formerly Invitae), Labcorp); PubMed 32753734 (cited by Labcorp Genetics (formerly Invitae), Labcorp); PubMed 33755199 (cited by Labcorp Genetics (formerly Invitae), Labcorp).

NM_001377.3(DYNC2H1):c.10342C>T (p.Gln3448Ter)

Gene: DYNC2H1 (dynein cytoplasmic 2 heavy chain 1; plus strand). Cytogenetic location: 11q22.3.
Variant type: single nucleotide variant.
Coding change: c.10342C>T on transcript NM_001377.3 (MANE Select); coding-DNA position 10342, C replaced by T.
Protein change: p.Gln3448Ter; replaces glutamine 3448 with a stop codon.
Molecular consequence: nonsense.
Genome position (GRCh38, 1-based): chr11:103,256,121, C>T. VCF-style: chr11-103256121-C-T. GRCh37 (hg19) VCF-style: chr11-103126850-C-T.
Other names: c.10363C>T, p.Gln3455Ter (NM_001080463.2); short protein forms Q3448*, Q3455*.
Identifiers: ClinVar variation 2988607 (VCV002988607.5), dbSNP rs1865048329, ClinGen allele CA382249469.